The following is an entry in ClinVar:

NM_001378615.1(CC2D2A):c.1426A>G (p.Thr476Ala)

Genes: CC2D2A (coiled-coil and C2 domain containing 2A; plus strand), FBXL5 (F-box and leucine rich repeat protein 5; minus strand). Cytogenetic location: 4p15.32.
Variant type: single nucleotide variant.
Coding change: c.1426A>G on transcript NM_001378615.1 (MANE Select); coding-DNA position 1426, A replaced by G.
Protein change: p.Thr476Ala; replaces threonine 476 with alanine.
Molecular consequence: missense variant.
Genome position (GRCh38, 1-based): chr4:15,528,686, A>G. VCF-style: chr4-15528686-A-G. GRCh37 (hg19) VCF-style: chr4-15530309-A-G.
Other names: c.1426A>G, p.Thr476Ala (NM_001080522.2); c.1279A>G, p.Thr427Ala (NM_001378617.1); short protein forms T427A, T476A.
Identifiers: ClinVar variation 1499847 (VCV001499847.3), dbSNP rs777726035, ClinGen allele CA2863665.

ClinVar aggregate classification (germline): Uncertain significance (1 of 4 stars; one submission).

Conditions:
Joubert syndrome. Also called: JOUBERT-BOLTSHAUSER SYNDROME; Familial aplasia of the vermis. Identifiers: Orphanet 475, MedGen C5979921, MONDO:0018772.
Meckel-Gruber syndrome. Also called: DYSENCEPHALIA SPLANCHNOCYSTICA; GRUBER SYNDROME; Dysencephalia splachnocystica. Identifiers: Orphanet 564, MedGen C0265215, MONDO:0018921.

Allele frequency attached by ClinVar (database versions not stated): ExAC 0.00002; gnomAD exomes 0.00002 and 0.00003; gnomAD 0.00003; TOPMed 0.00003.
gnomAD v4.1: 56 of 1,613,240 alleles (0.0035%); highest among the groups gnomAD compares: African/African-American, 0.0053%; no homozygotes.

Submission:

Labcorp Genetics (formerly Invitae), Labcorp
Classification: Uncertain significance for Joubert syndrome; Meckel-Gruber syndrome. Last evaluated: 2021-09-30. Review status: criteria provided, single submitter. Criteria: Invitae Variant Classification Sherloc (09022015). Collection method: clinical testing. Allele origin: germline.
Comment: This sequence change replaces threonine with alanine at codon 476 of the CC2D2A protein (p.Thr476Ala). The threonine residue is moderately conserved and there is a small physicochemical difference between threonine and alanine. This variant is present in population databases (rs777726035, ExAC 0.003%). This variant has not been reported in the literature in individuals affected with CC2D2A-related conditions. Advanced modeling of protein sequence and biophysical properties (such as structural, functional, and spatial information, amino acid conservation, physicochemical variation, residue mobility, and thermodynamic stability) performed at Invitae indicates that this missense variant is not expected to disrupt CC2D2A protein function. In summary, the available evidence is currently insufficient to determine the role of this variant in disease. Therefore, it has been classified as a Variant of Uncertain Significance.